The following is an entry in ClinVar:

ClinVar aggregate classification (germline): Uncertain significance (1 of 4 stars; one submission).

Submission:

GeneDx
Classification: Uncertain significance. Last evaluated: 2017-05-09. Review status: criteria provided, single submitter. Criteria: GeneDx Variant Classification (06012015). Collection method: clinical testing. Allele origin: germline. Affected: yes.
Comment: The P1208S variant in the USP9X gene has not been reported previously as a pathogenic variant, nor as a benign variant, to our knowledge. The P1208S variant is not observed in large population cohorts (Lek et al., 2016; 1000 Genomes Consortium et al., 2015; Exome Variant Server). The P1208S variant is a non-conservative amino acid substitution, which is likely to impact secondary protein structure as these residues differ in polarity, charge, size and/or other properties. This substitution occurs at a position that is conserved across species. In silico analysis predicts this variant is probably damaging to the protein structure/function. We interpret P1208S as a variant of uncertain significance.

NM_001039591.3(USP9X):c.3622C>T (p.Pro1208Ser)

Gene: USP9X (ubiquitin specific peptidase 9 X-linked; plus strand). Cytogenetic location: Xp11.4.
Variant type: single nucleotide variant.
Coding change: c.3622C>T on transcript NM_001039591.3 (MANE Select); coding-DNA position 3622, C replaced by T.
Protein change: p.Pro1208Ser; replaces proline 1208 with serine.
Molecular consequence: missense variant.
Genome position (GRCh38, 1-based): chrX:41,186,580, C>T. VCF-style: chrX-41186580-C-T. GRCh37 (hg19) VCF-style: chrX-41045833-C-T.
Other names: c.3622C>T, p.Pro1208Ser (NM_001039590.3); short protein forms P1208S.
Identifiers: ClinVar variation 429466 (VCV000429466.2), dbSNP rs1131691397, ClinGen allele CA412766428.